The following is an entry in ClinVar:

ClinVar aggregate classification (germline): Benign (0 of 4 stars; one submission).

Conditions:
DNAH10-related disorder. Also called: DNAH10-related condition.

Allele frequency attached by ClinVar (database versions not stated): gnomAD exomes 0.01630; ExAC 0.03549; ESP Exome Variant Server 0.08987; gnomAD 0.09047; TOPMed 0.10229; 1000 Genomes Project 0.10403; 1000 Genomes Project 30x 0.10712.
gnomAD v4.1: 38,219 of 1,613,812 alleles (2.4%); highest among the groups gnomAD compares: African/African-American, 29%; 3,536 homozygotes.

Submission:

PreventionGenetics, part of Exact Sciences
Classification: Benign for DNAH10-related condition. Last evaluated: 2019-10-24. Review status: no assertion criteria provided. Collection method: clinical testing. Allele origin: germline.
Comment: This variant is classified as benign based on ACMG/AMP sequence variant interpretation guidelines (Richards et al. 2015 PMID: 25741868, with internal and published modifications).

NM_001372106.1(DNAH10):c.5655C>A (p.Asp1885Glu)

Gene: DNAH10 (dynein axonemal heavy chain 10; plus strand). Cytogenetic location: 12q24.31.
Variant type: single nucleotide variant.
Coding change: c.5655C>A on transcript NM_001372106.1 (MANE Select); coding-DNA position 5655, C replaced by A.
Protein change: p.Asp1885Glu; replaces aspartic acid 1885 with glutamic acid.
Molecular consequence: missense variant.
Genome position (GRCh38, 1-based): chr12:123,845,995, C>A. VCF-style: chr12-123845995-C-A. GRCh37 (hg19) VCF-style: chr12-124330542-C-A.
Other names: c.5301C>A, p.Asp1767Glu (NM_001083900.1, NM_207437.3); short protein forms D1767E, D1885E.
Identifiers: ClinVar variation 3037142 (VCV003037142.2), dbSNP rs7969937, ClinGen allele CA6863929.
Genomic context (GRCh38, chr12:123,845,995, plus strand): 5'-ACGGTTTCCACTTCCTCCACCTTTCTTGCCGTCCAGTATCCTGGAGGCCCGAGAGTTTGA[C>A]TGGGAAAGTCAGTTGCGGTTTTATTGGGACCGGGAGCCGGATGAGCTGAACATCCGCCAG-3'
Protein context (NP_001359035.1, residues 1875-1895): RGSILEAREF[Asp1885Glu]WESQLRFYWD